The following is an entry in ClinVar:

ClinVar aggregate classification (germline): Likely benign. Review status: criteria provided, multiple submitters, no conflicts (2 of 4 stars). 8 submissions from 8 submitters: Likely benign (8). Last evaluated 2026-06-01.

Conditions:
Cardiovascular phenotype. Identifiers: MedGen CN230736.
Brugada syndrome. Also called: Sudden unexpected nocturnal death syndrome; Sudden Unexplained Death Syndrome; Sudden Unexplained Nocturnal Death Syndrome (SUNDS); Sudden unexplained nocturnal death syndrome. Identifiers: Orphanet 130, MedGen C1142166, MONDO:0015263.

Allele frequency attached by ClinVar (database versions not stated): 1000 Genomes Project 30x 0.00047; 1000 Genomes Project 0.00060; gnomAD 0.00068; TOPMed 0.00069; ExAC 0.00089; gnomAD exomes 0.00096 and 0.00127; ESP Exome Variant Server 0.00100.
gnomAD v4.1: 1,932 of 1,612,904 alleles (0.12%); highest among the groups gnomAD compares: Non-Finnish European, 0.15%; 2 homozygotes.

Submissions (8):

CeGaT Center for Human Genetics Tuebingen
Classification: Likely benign. Last evaluated: 2026-06-01. Review status: criteria provided, single submitter. Criteria: CeGaT Center For Human Genetics Tuebingen Variant Classification Criteria Version 2. Collection method: clinical testing. Allele origin: germline. Affected: yes. Observed: 4 variant alleles.
Comment: SCN10A: BS1

Labcorp Genetics (formerly Invitae), Labcorp
Classification: Likely benign for Brugada syndrome. Last evaluated: 2026-02-01. Review status: criteria provided, single submitter. Criteria: Invitae Variant Classification Sherloc (09022015). Collection method: clinical testing. Allele origin: germline.

Laboratory of Genetics, Children's Clinical University Hospital Latvia
Classification: Likely benign. Last evaluated: 2025-02-16. Review status: criteria provided, single submitter. Criteria: ACMG Guidelines, 2015. Collection method: clinical testing. Allele origin: germline. Affected: yes.

Blueprint Genetics
Classification: Likely benign. Last evaluated: 2024-11-25. Review status: criteria provided, single submitter. Criteria: ACMG Guidelines, 2015. Collection method: clinical testing. Allele origin: germline.

Mayo Clinic Laboratories, Mayo Clinic
Classification: Likely benign. Last evaluated: 2024-08-12. Review status: criteria provided, single submitter. Criteria: ACMG Guidelines, 2015. Collection method: clinical testing. Allele origin: germline. Observed: 4 variant alleles.
Comment: BS1, BS2

Women's Health and Genetics/Laboratory Corporation of America, LabCorp
Classification: Likely benign. Last evaluated: 2024-07-28. Review status: criteria provided, single submitter. Criteria: LabCorp Variant Classification Summary - May 2015. Collection method: clinical testing. Allele origin: germline.

Ambry Genetics
Classification: Likely benign for Cardiovascular phenotype. Last evaluated: 2019-06-17. Review status: criteria provided, single submitter. Criteria: Ambry Variant Classification Scheme 2023. Collection method: clinical testing. Allele origin: germline.

GeneDx
Classification: Likely benign. Last evaluated: 2017-02-27. Review status: criteria provided, single submitter. Criteria: GeneDx Variant Classification (06012015). Collection method: clinical testing. Allele origin: germline. Affected: yes.
Comment: This variant is considered likely benign or benign based on one or more of the following criteria: it is a conservative change, it occurs at a poorly conserved position in the protein, it is predicted to be benign by multiple in silico algorithms, and/or has population frequency not consistent with disease.

Literature cited by the submitters: PubMed 26733327 (cited by Mayo Clinic Laboratories, Mayo Clinic); PubMed 30554136 (cited by Mayo Clinic Laboratories, Mayo Clinic); PubMed 31571979 (cited by Mayo Clinic Laboratories, Mayo Clinic); PubMed 34546463 (cited by Mayo Clinic Laboratories, Mayo Clinic); PubMed 36448457 (cited by Mayo Clinic Laboratories, Mayo Clinic); PubMed 37175987 (cited by Mayo Clinic Laboratories, Mayo Clinic).

NM_006514.4(SCN10A):c.2972C>T (p.Pro991Leu)

Genes: SCN10A (sodium voltage-gated channel alpha subunit 10; minus strand), LOC110121288 (VISTA enhancer hs2268; plus strand). Cytogenetic location: 3p22.2.
Variant type: single nucleotide variant.
Coding change: c.2972C>T on transcript NM_006514.4 (MANE Select); coding-DNA position 2972, C replaced by T.
Protein change: p.Pro991Leu; replaces proline 991 with leucine.
Molecular consequence: missense variant.
Genome position (GRCh38, 1-based): chr3:38,726,721, G>A on the plus strand (C>T on the coding strand, the complement: SCN10A is on the minus strand). VCF-style: chr3-38726721-G-A. GRCh37 (hg19) VCF-style: chr3-38768212-G-A.
Other names: p.Pro991Leu; c.2972C>T, p.Pro991Leu (NM_001293306.2); c.2678C>T, p.Pro893Leu (NM_001293307.2); short protein forms P991L, P893L.
Identifiers: ClinVar variation 240666 (VCV000240666.39), dbSNP rs138413438, ClinGen allele CA2320395.
Genomic context (GRCh38, chr3:38,726,721, plus strand): 5'-TCCTCCAAGTCATCAAGATCAGATTCACCCTCAGCAATGGGCACAGAGACCCACACAGTC[G>A]GATTAGCGATGAAGTCACTGTGCTCATCCCTGGGGCCTCTGGGAGCTTGGAGCCCTCCAG-3'
Protein context (NP_006505.4, residues 981-1001): RDEHSDFIAN[Pro991Leu]TVWVSVPIAE